The following is an entry in ClinVar:

NM_001042492.3(NF1):c.6C>G (p.Ala2=)

Genes: MIR4733HG (MIR4733 host gene; minus strand), NF1 (neurofibromin 1; plus strand), LOC111811965 (NF1 (neurofibromin 1) promoter region; plus strand). Cytogenetic location: 17q11.2.
Variant type: single nucleotide variant.
Coding change: c.6C>G on transcript NM_001042492.3 (MANE Select); coding-DNA position 6, C replaced by G.
Protein change: p.Ala2=; no amino-acid change (alanine 2 retained).
Molecular consequence: synonymous variant. On other transcripts: non-coding transcript variant (1).
Genome position (GRCh38, 1-based): chr17:31,095,315, C>G. VCF-style: chr17-31095315-C-G. GRCh37 (hg19) VCF-style: chr17-29422333-C-G.
Other names: c.6C>G, p.Ala2= (NM_000267.4, NM_001128147.3).
Identifiers: ClinVar variation 1141694 (VCV001141694.10), dbSNP rs876660128, ClinGen allele CA289314735.

ClinVar aggregate classification (germline): Benign/Likely benign. Review status: criteria provided, multiple submitters, no conflicts (2 of 4 stars). 3 submissions from 3 submitters: Benign (1); Likely benign (2). Last evaluated 2026-09-24.

Conditions:
Neurofibromatosis, type 1 (NF1). Also called: Neurofibromatosis, type I; VON RECKLINGHAUSEN DISEASE; Peripheral type neurofibromatosis; NEUROFIBROMATOSIS, TYPE I, SOMATIC. Identifiers: Orphanet 636, MedGen C0027831, MONDO:0018975, OMIM 162200. Disease mechanism: loss of function.
Cardiovascular phenotype. Identifiers: MedGen CN230736.
Hereditary cancer-predisposing syndrome. Also called: Hereditary Cancer Syndrome; Hereditary neoplastic syndrome; Neoplastic Syndromes, Hereditary; Tumor predisposition. Identifiers: Orphanet 140162, MedGen C0027672, MeSH D009386, MONDO:0015356.

Allele frequency attached by ClinVar (database versions not stated): gnomAD exomes 0.00001.
gnomAD v4.1: 13 of 1,537,810 alleles (0.00085%); highest among the groups gnomAD compares: South Asian, 0.015%; no homozygotes.

Submissions (3):

Myriad Genetics, Inc.
Classification: Benign for Neurofibromatosis, type 1. Last evaluated: 2026-09-24. Review status: criteria provided, single submitter. Criteria: Myriad Autosomal Dominant, Autosomal Recessive and X-Linked Classification Criteria (2023). Collection method: clinical testing. Allele origin: unknown.
Comment: This variant is considered benign. This variant is a silent/synonymous amino acid change and it is not expected to impact splicing.

Labcorp Genetics (formerly Invitae), Labcorp
Classification: Likely benign for Neurofibromatosis, type 1. Last evaluated: 2025-05-06. Review status: criteria provided, single submitter. Criteria: Invitae Variant Classification Sherloc (09022015). Collection method: clinical testing. Allele origin: germline.

Ambry Genetics
Classification: Likely benign for Cardiovascular phenotype; Hereditary cancer-predisposing syndrome. Last evaluated: 2021-05-25. Review status: criteria provided, single submitter. Criteria: Ambry Variant Classification Scheme 2023. Collection method: clinical testing. Allele origin: germline.